The following is an entry in ClinVar:

NM_004444.5(EPHB4):c.10C>T (p.Arg4Trp)

Genes: EPHB4 (EPH receptor B4; minus strand), SLC12A9 (solute carrier family 12 member 9; plus strand). Cytogenetic location: 7q22.1.
Variant type: single nucleotide variant.
Coding change: c.10C>T on transcript NM_004444.5 (MANE Select); coding-DNA position 10, C replaced by T.
Protein change: p.Arg4Trp; replaces arginine 4 with tryptophan.
Molecular consequence: missense variant. On other transcripts: 5 prime UTR variant (1).
Genome position (GRCh38, 1-based): chr7:100,827,021, G>A on the plus strand (C>T on the coding strand, the complement: EPHB4 is on the minus strand). VCF-style: chr7-100827021-G-A. GRCh37 (hg19) VCF-style: chr7-100424643-G-A.
Other names: c.-8G>A (NM_001363494.1); short protein forms R4W.
Identifiers: ClinVar variation 2565144 (VCV002565144.2), dbSNP rs781356999, ClinGen allele CA4393493.

ClinVar aggregate classification (germline): Uncertain significance (1 of 4 stars; one submission).

Conditions:
Cardiovascular phenotype. Identifiers: MedGen CN230736.

Allele frequency attached by ClinVar (database versions not stated): TOPMed 0.00002; ExAC 0.00003; gnomAD exomes 0.00001.
gnomAD v4.1: 3 of 1,583,668 alleles (0.00019%); highest among the groups gnomAD compares: East Asian, 0.0047%; no homozygotes.

Submission:

Ambry Genetics
Classification: Uncertain significance for Cardiovascular phenotype. Last evaluated: 2023-04-18. Review status: criteria provided, single submitter. Criteria: Ambry Variant Classification Scheme 2023. Collection method: clinical testing. Allele origin: germline.
Comment: The p.R4W variant (also known as c.10C>T), located in coding exon 1 of the EPHB4 gene, results from a C to T substitution at nucleotide position 10. The arginine at codon 4 is replaced by tryptophan, an amino acid with dissimilar properties. This amino acid position is conserved. In addition, this alteration is predicted to be tolerated by in silico analysis. Since supporting evidence is limited at this time, the clinical significance of this alteration remains unclear.